The following is an entry in ClinVar:

ClinVar aggregate classification (germline): Uncertain significance (1 of 4 stars; one submission).

Conditions:
Bardet-Biedl syndrome 16 (BBS16). Identifiers: Orphanet 110, MedGen C3889474, MONDO:0014444, OMIM 615993.
Senior-Loken syndrome 7 (SLSN7). Identifiers: Orphanet 3156, MedGen C3150877, MONDO:0013326, OMIM 613615.

Allele frequency attached by ClinVar (database versions not stated): gnomAD exomes below 0.00001 and 0.00002; gnomAD 0.00001; ExAC 0.00002; TOPMed 0.00002.
gnomAD v4.1: 6 of 1,614,012 alleles (0.00037%); highest among the groups gnomAD compares: East Asian, 0.013%; no homozygotes.

Submission:

Labcorp Genetics (formerly Invitae), Labcorp
Classification: Uncertain significance for Bardet-Biedl syndrome 16; Senior-Loken syndrome 7. Last evaluated: 2024-02-08. Review status: criteria provided, single submitter. Criteria: Invitae Variant Classification Sherloc (09022015). Collection method: clinical testing. Allele origin: germline.
Comment: This sequence change replaces isoleucine, which is neutral and non-polar, with phenylalanine, which is neutral and non-polar, at codon 13 of the SDCCAG8 protein (p.Ile13Phe). This variant is present in population databases (rs763172123, gnomAD 0.03%). This variant has not been reported in the literature in individuals affected with SDCCAG8-related conditions. ClinVar contains an entry for this variant (Variation ID: 1443186). An algorithm developed to predict the effect of missense changes on protein structure and function (PolyPhen-2) suggests that this variant is likely to be disruptive. In summary, the available evidence is currently insufficient to determine the role of this variant in disease. Therefore, it has been classified as a Variant of Uncertain Significance.

NM_006642.5(SDCCAG8):c.37A>T (p.Ile13Phe)

Gene: SDCCAG8 (SHH signaling and ciliogenesis regulator SDCCAG8; plus strand). Cytogenetic location: 1q43.
Variant type: single nucleotide variant.
Coding change: c.37A>T on transcript NM_006642.5 (MANE Select); coding-DNA position 37, A replaced by T.
Protein change: p.Ile13Phe; replaces isoleucine 13 with phenylalanine.
Molecular consequence: missense variant. On other transcripts: 5 prime UTR variant (4).
Genome position (GRCh38, 1-based): chr1:243,256,210, A>T. VCF-style: chr1-243256210-A-T. GRCh37 (hg19) VCF-style: chr1-243419512-A-T.
Other names: c.-1076A>T (NM_001350246.2); c.-964A>T (NM_001350247.2); c.37A>T, p.Ile13Phe (NM_001350248.2); c.-271A>T (NM_001350249.2); c.-1337A>T (NM_001350251.2); short protein forms I13F.
Identifiers: ClinVar variation 1443186 (VCV001443186.8), dbSNP rs763172123, ClinGen allele CA1483168.